The following is an entry in ClinVar:

NM_006030.4(CACNA2D2):c.1307C>T (p.Thr436Ile)

Gene: CACNA2D2 (calcium voltage-gated channel auxiliary subunit alpha2delta 2; minus strand). Cytogenetic location: 3p21.31.
Variant type: single nucleotide variant.
Coding change: c.1307C>T on transcript NM_006030.4 (MANE Select); coding-DNA position 1307, C replaced by T.
Protein change: p.Thr436Ile; replaces threonine 436 with isoleucine.
Molecular consequence: missense variant.
Genome position (GRCh38, 1-based): chr3:50,378,947, G>A on the plus strand (C>T on the coding strand, the complement: CACNA2D2 is on the minus strand). VCF-style: chr3-50378947-G-A. GRCh37 (hg19) VCF-style: chr3-50416378-G-A.
Other names: c.1307C>T, p.Thr436Ile (NM_001005505.3, NM_001174051.3); c.1100C>T, p.Thr367Ile (NM_001291101.1); short protein forms T367I, T436I.
Identifiers: ClinVar variation 665834 (VCV000665834.6), dbSNP rs1575601988, ClinGen allele CA352931223.
Genomic context (GRCh38, chr3:50,378,947, plus strand): 5'-CCCTGACAGTGATGCGCAGGGGAGGTACCTTTGTTGGCACAGGCCATCCACTGCAGCGGT[G>A]TGACGTCATAGTTATGCTGCCCCACGGAGAAAGTAAACACGCGCACCTGTGGGGGGTTTG-3'
Protein context (NP_006021.2, residues 426-446): FSVGQHNYDV[Thr436Ile]PLQWMACANK

ClinVar aggregate classification (germline): Uncertain significance (1 of 4 stars; one submission).

Conditions:
Early-infantile DEE. Also called: Ohtahara syndrome; Early infantile epileptic encephalopathy; Early infantile epileptic encephalopathy with suppression bursts. Identifiers: Orphanet 1934, MedGen C0393706, MONDO:0800491.

Allele frequency attached by ClinVar (database versions not stated): gnomAD exomes below 0.00001; TOPMed below 0.00001; gnomAD 0.00001.
gnomAD v4.1: 3 of 1,613,808 alleles (0.00019%); highest among the groups gnomAD compares: Non-Finnish European, 0.00025%; no homozygotes.

Submission:

Labcorp Genetics (formerly Invitae), Labcorp
Classification: Uncertain significance for Early-infantile DEE. Last evaluated: 2024-09-16. Review status: criteria provided, single submitter. Criteria: Invitae Variant Classification Sherloc (09022015). Collection method: clinical testing. Allele origin: germline.
Comment: This sequence change replaces threonine, which is neutral and polar, with isoleucine, which is neutral and non-polar, at codon 436 of the CACNA2D2 protein (p.Thr436Ile). This variant is not present in population databases (gnomAD no frequency). This variant has not been reported in the literature in individuals affected with CACNA2D2-related conditions. ClinVar contains an entry for this variant (Variation ID: 665834). An algorithm developed to predict the effect of missense changes on protein structure and function (PolyPhen-2) suggests that this variant is likely to be disruptive. In summary, the available evidence is currently insufficient to determine the role of this variant in disease. Therefore, it has been classified as a Variant of Uncertain Significance.